The following is an entry in ClinVar:

NM_002432.3(MNDA):c.110C>A (p.Thr37Lys)

Gene: MNDA (myeloid cell nuclear differentiation antigen; plus strand). Cytogenetic location: 1q23.1.
Variant type: single nucleotide variant.
Coding change: c.110C>A on transcript NM_002432.3 (MANE Select); coding-DNA position 110, C replaced by A.
Protein change: p.Thr37Lys; replaces threonine 37 with lysine.
Molecular consequence: missense variant.
Genome position (GRCh38, 1-based): chr1:158,842,263, C>A. VCF-style: chr1-158842263-C-A. GRCh37 (hg19) VCF-style: chr1-158812053-C-A.
Other names: short protein forms T37K.
Identifiers: ClinVar variation 1794685 (VCV001794685.2), dbSNP rs2526074814, ClinGen allele CA343036678.
Genomic context (GRCh38, chr1:158,842,263, plus strand): 5'-TGGATGATTATCATTTTACATCAATTAAGTCCTTACTGGCCTATGATTTAGGACTAACTA[C>A]AAAAATGCAAGAGGAATACAACAGAATTAAGATTACAGATTTGATGGAAAAAAAGTTCCA-3'
Protein context (NP_002423.1, residues 27-47): SLLAYDLGLT[Thr37Lys]KMQEEYNRIK

ClinVar aggregate classification (germline): Uncertain significance (1 of 4 stars; one submission).

Submission:

Ambry Genetics
Classification: Uncertain significance. Last evaluated: 2022-09-12. Review status: criteria provided, single submitter. Criteria: Ambry Variant Classification Scheme 2023. Collection method: clinical testing. Allele origin: germline.
Comment: The p.T37K variant (also known as c.110C>A), located in coding exon 1 of the MNDA gene, results from a C to A substitution at nucleotide position 110. The threonine at codon 37 is replaced by lysine, an amino acid with similar properties. This amino acid position is conserved. In addition, this alteration is predicted to be tolerated by in silico analysis. Since supporting evidence is limited at this time, the clinical significance of this alteration remains unclear.